The following is an entry in ClinVar:

NM_001165963.4(SCN1A):c.5422T>A (p.Phe1808Ile)

Genes: SCN1A (sodium voltage-gated channel alpha subunit 1; minus strand), LOC102724058 (uncharacterized LOC102724058; plus strand). Cytogenetic location: 2q24.3.
Variant type: single nucleotide variant.
Coding change: c.5422T>A on transcript NM_001165963.4 (MANE Select); coding-DNA position 5422, T replaced by A.
Protein change: p.Phe1808Ile; replaces phenylalanine 1808 with isoleucine.
Molecular consequence: missense variant. On other transcripts: non-coding transcript variant (1).
Genome position (GRCh38, 1-based): chr2:165,991,853, A>T on the plus strand (T>A on the coding strand, the complement: SCN1A is on the minus strand). VCF-style: chr2-165991853-A-T. GRCh37 (hg19) VCF-style: chr2-166848363-A-T.
Other names: c.5389T>A, p.Phe1797Ile (NM_006920.6, NM_001353949.2, NM_001353950.2 and 2 more transcripts); c.5338T>A, p.Phe1780Ile (NM_001165964.3, NM_001353957.2, NM_001353958.2); c.5422T>A, p.Phe1808Ile (NM_001202435.3, NM_001353948.2); c.5386T>A, p.Phe1796Ile (NM_001353954.2, NM_001353955.2); c.5335T>A, p.Phe1779Ile (NM_001353960.2); c.2980T>A, p.Phe994Ile (NM_001353961.2); short protein forms F1779I, F1780I, F1796I, F1797I, F1808I, F994I.
Identifiers: ClinVar variation 4073664 (VCV004073664.2).
Genomic context (GRCh38, chr2:165,991,853, plus strand): 5'-ATTTTTCAAATTCCATGAACTGAGTTGCATCGGGATCAAACTTCTCCCAAACCTCATAGA[A>T]CATCTCAAAGTCATCCTCACTCAGAGGCTCTGCACTTTCTTCAGTAGCAACACTGAAGTT-3'
Protein context (NP_001159435.1, residues 1798-1818): EPLSEDDFEM[Phe1808Ile]YEVWEKFDPD

ClinVar aggregate classification (germline): Conflicting classifications of pathogenicity. Review status: criteria provided, conflicting classifications (1 of 4 stars). 2 submissions from 2 submitters: Pathogenic (1); Uncertain significance (1). Last evaluated 2026-06-04.

Conditions:
Seizure. Also called: Seizures. Identifiers: MedGen C0036572, HP:0001250.

Submissions (2):

Women's Health and Genetics/Laboratory Corporation of America, LabCorp
Classification: Uncertain significance. Last evaluated: 2026-06-04. Review status: criteria provided, single submitter. Criteria: LabCorp Variant Classification Summary - May 2015. Collection method: clinical testing. Allele origin: germline.
Comment: Variant summary: SCN1A c.5422T>A (p.Phe1808Ile) results in a non-conservative amino acid change in the encoded protein sequence. Algorithms developed to predict the effect of missense changes on protein structure and function all suggest that this variant is likely to be disruptive. The variant was absent in 251232 control chromosomes. c.5422T>A has been observed in individual(s) affected with SCN1A-related conditions (internal_testing). These data do not allow any conclusion about variant significance. To our knowledge, no experimental evidence demonstrating an impact on protein function has been reported. A different variant affecting the same codon has been classified as likely pathogenic/pathogenic (c.5422T>C, F1808L), supporting the critical relevance of codon 1808 to SCN1A protein function. The following publications have been ascertained in the context of this evaluation (PMID: 32090326, 18930999). ClinVar contains an entry for this variant (Variation ID: 4073664). Based on the evidence outlined above, the variant was classified as VUS-possibly pathogenic.

Cytogénomique, Hospices Civils de Lyon
Classification: Pathogenic for Seizure. Last evaluated: 2024-09-23. Review status: criteria provided, single submitter. Criteria: ACMG Guidelines, 2015. Collection method: clinical testing. Allele origin: de novo. Affected: yes.

Literature cited by the submitters: PubMed 18930999 (cited by Women's Health and Genetics/Laboratory Corporation of America, LabCorp); PubMed 32090326 (cited by Women's Health and Genetics/Laboratory Corporation of America, LabCorp).